The following is an entry in ClinVar:

ClinVar aggregate classification (germline): Uncertain significance (1 of 4 stars; one submission).

Conditions:
Hereditary cancer-predisposing syndrome. Also called: Neoplastic Syndromes, Hereditary; Tumor predisposition; Hereditary neoplastic syndrome; Hereditary Cancer Syndrome. Identifiers: Orphanet 140162, MedGen C0027672, MeSH D009386, MONDO:0015356.
Cardiovascular phenotype. Identifiers: MedGen CN230736.

Submission:

Ambry Genetics
Classification: Uncertain significance for Cardiovascular phenotype; Hereditary cancer-predisposing syndrome. Last evaluated: 2018-01-05. Review status: criteria provided, single submitter. Criteria: Ambry Variant Classification Scheme 2023. Collection method: clinical testing. Allele origin: germline.
Comment: The c.4906_4907delGAinsTT variant (also known as p.D1636F), located in coding exon 36 of the NF1 gene, results from an in-frame deletion of GA and insertion of TT at nucleotide positions 4906 to 4907. This results in the substitution of the aspartic acid residue for a phenylalanine residue at codon 1636, an amino acid with highly dissimilar properties. This amino acid position is highly conserved in available vertebrate species. Since supporting evidence is limited at this time, the clinical significance of this alteration remains unclear.

NM_001042492.3(NF1):c.4969_4970delinsTT (p.Asp1657Phe)

Gene: NF1 (neurofibromin 1; plus strand). Cytogenetic location: 17q11.2.
Variant type: Indel.
Coding change: c.4969_4970delinsTT on transcript NM_001042492.3 (MANE Select); coding-DNA positions 4969 to 4970, GA replaced by TT.
Protein change: p.Asp1657Phe; replaces aspartic acid 1657 with phenylalanine.
Molecular consequence: missense variant.
Genome position (GRCh38, 1-based): chr17:31,325,953-31,325,954, GA replaced by TT. VCF-style: chr17-31325953-GA-TT. GRCh37 (hg19) VCF-style: chr17-29652971-GA-TT.
Other names: c.4906_4907delGAinsTT (NM_000267.3); c.4906_4907delGAinsTT, p.Asp1636Phe (NM_000267.4); short protein forms D1636F, D1657F.
Identifiers: ClinVar variation 825279 (VCV000825279.4), dbSNP rs1597829765, ClinGen allele CA915949790.
Genomic context (GRCh38, chr17:31,325,953, plus strand): 5'-AAGCCATATGAAATTGTAGTGGACCTTACCCATACCGGGCCTAGCAATCGCTTTAAAACA[GA>TT]CTTTCTCTCTAAGTGGTTTGTTGTTTTTCCTGGCTTTGCTTACGACAACGTCTCCGCAGT-3'
Protein context (NP_001035957.1, residues 1647-1667): HTGPSNRFKT[Asp1657Phe]FLSKWFVVFP